The following is an entry in ClinVar:

ClinVar aggregate classification (germline): Likely pathogenic (1 of 4 stars; one submission).

Conditions:
Generalized epilepsy with febrile seizures plus, type 9 (GEFSP9). Also called: GEFS+, TYPE 9. Identifiers: Orphanet 36387, MedGen C4015395, MONDO:0014517, OMIM 616172.

Submission:

Labcorp Genetics (formerly Invitae), Labcorp
Classification: Likely pathogenic for Generalized epilepsy with febrile seizures plus, type 9. Last evaluated: 2021-05-26. Review status: criteria provided, single submitter. Criteria: Invitae Variant Classification Sherloc (09022015). Collection method: clinical testing. Allele origin: germline.
Comment: Algorithms developed to predict the effect of sequence changes on RNA splicing suggest that this variant may disrupt the consensus splice site, but this prediction has not been confirmed by published transcriptional studies. This variant has not been reported in the literature in individuals with STX1B-related conditions. This variant is not present in population databases (ExAC no frequency). This sequence change affects a donor splice site in intron 3 of the STX1B gene. It is expected to disrupt RNA splicing. Variants that disrupt the donor or acceptor splice site typically lead to a loss of protein function (PMID: 16199547), and loss-of-function variants in STX1B are known to be pathogenic (PMID: 25362483). In summary, the currently available evidence indicates that the variant is pathogenic, but additional data are needed to prove that conclusively. Therefore, this variant has been classified as Likely Pathogenic.

Literature cited by the submitters: PubMed 16199547; PubMed 25362483.

NM_052874.5(STX1B):c.205+1G>A

Gene: STX1B (syntaxin 1B; minus strand). Cytogenetic location: 16p11.2.
Variant type: single nucleotide variant.
Coding change: c.205+1G>A on transcript NM_052874.5 (MANE Select); the canonical splice donor site of the intron after coding-DNA position 205, G replaced by A.
Molecular consequence: splice donor variant.
Genome position (GRCh38, 1-based): chr16:31,001,093, C>T on the plus strand (G>A on the coding strand, the complement: STX1B is on the minus strand). VCF-style: chr16-31001093-C-T. GRCh37 (hg19) VCF-style: chr16-31012414-C-T.
Identifiers: ClinVar variation 1474191 (VCV001474191.8), dbSNP rs2143677612, ClinGen allele CA395651396.